The following is an entry in ClinVar:

ClinVar aggregate classification (germline): Uncertain significance. Review status: criteria provided, multiple submitters, no conflicts (2 of 4 stars). 3 submissions from 3 submitters: Uncertain significance (3). Last evaluated 2025-12-21.

Conditions:
Inborn genetic diseases. Identifiers: MedGen C0950123, MeSH D030342.
Hyperkalemic periodic paralysis. Also called: Familial hyperkalemic periodic paralysis; Gamstorp disease. Identifiers: Orphanet 682, MedGen C0238357, MONDO:0008224, OMIM 170500, HP:0007215.

Allele frequency attached by ClinVar (database versions not stated): TOPMed 0.00002.
gnomAD v4.1: 40 of 1,611,878 alleles (0.0025%); highest among the groups gnomAD compares: Admixed American, 0.01%; no homozygotes.

Submissions (3):

Labcorp Genetics (formerly Invitae), Labcorp
Classification: Uncertain significance for Hyperkalemic periodic paralysis. Last evaluated: 2025-12-21. Review status: criteria provided, single submitter. Criteria: Invitae Variant Classification Sherloc (09022015). Collection method: clinical testing. Allele origin: germline.
Comment: This sequence change replaces valine, which is neutral and non-polar, with methionine, which is neutral and non-polar, at codon 428 of the SCN4A protein (p.Val428Met). This variant is present in population databases (rs532921435, gnomAD 0.009%). This missense change has been observed in individuals with clinical features of periodic paralysis (internal data). ClinVar contains an entry for this variant (Variation ID: 663740). Invitae Evidence Modeling of protein sequence and biophysical properties (such as structural, functional, and spatial information, amino acid conservation, physicochemical variation, residue mobility, and thermodynamic stability) indicates that this missense variant is not expected to disrupt SCN4A protein function with a negative predictive value of 95%. In summary, the available evidence is currently insufficient to determine the role of this variant in disease. Therefore, it has been classified as a Variant of Uncertain Significance.

Revvity Omics, Revvity
Classification: Uncertain significance. Last evaluated: 2023-05-22. Review status: criteria provided, single submitter. Criteria: ACMG Guidelines, 2015. Collection method: clinical testing. Allele origin: germline.

Ambry Genetics
Classification: Uncertain significance for Inborn genetic diseases. Last evaluated: 2021-06-22. Review status: criteria provided, single submitter. Criteria: Ambry Variant Classification Scheme 2023. Collection method: clinical testing. Allele origin: germline.

NM_000334.4(SCN4A):c.1282G>A (p.Val428Met)

Gene: SCN4A (sodium voltage-gated channel alpha subunit 4; minus strand). Cytogenetic location: 17q23.3.
Variant type: single nucleotide variant.
Coding change: c.1282G>A on transcript NM_000334.4 (MANE Select); coding-DNA position 1282, G replaced by A.
Protein change: p.Val428Met; replaces valine 428 with methionine.
Molecular consequence: missense variant.
Genome position (GRCh38, 1-based): chr17:63,964,638, C>T on the plus strand (G>A on the coding strand, the complement: SCN4A is on the minus strand). VCF-style: chr17-63964638-C-T. GRCh37 (hg19) VCF-style: chr17-62041998-C-T.
Other names: short protein forms V428M.
Identifiers: ClinVar variation 663740 (VCV000663740.13), dbSNP rs532921435, ClinGen allele CA8709878.